The following is an entry in ClinVar:

ClinVar aggregate classification (germline): Uncertain significance (1 of 4 stars; one submission).

Submission:

Labcorp Genetics (formerly Invitae), Labcorp
Classification: Uncertain significance. Last evaluated: 2025-06-20. Review status: criteria provided, single submitter. Criteria: Invitae Variant Classification Sherloc (09022015). Collection method: clinical testing. Allele origin: germline.
Comment: This sequence change replaces threonine, which is neutral and polar, with isoleucine, which is neutral and non-polar, at codon 617 of the SAMD9 protein (p.Thr617Ile). This variant is not present in population databases (gnomAD no frequency). This variant has not been reported in the literature in individuals affected with SAMD9-related conditions. Invitae Evidence Modeling of protein sequence and biophysical properties (such as structural, functional, and spatial information, amino acid conservation, physicochemical variation, residue mobility, and thermodynamic stability) has been performed for this missense variant. However, the output from this modeling did not meet the statistical confidence thresholds required to predict the impact of this variant on SAMD9 protein function. In summary, the available evidence is currently insufficient to determine the role of this variant in disease. Therefore, it has been classified as a Variant of Uncertain Significance.

NM_017654.4(SAMD9):c.1850C>T (p.Thr617Ile)

Gene: SAMD9 (sterile alpha motif domain containing 9; minus strand). Cytogenetic location: 7q21.2.
Variant type: single nucleotide variant.
Coding change: c.1850C>T on transcript NM_017654.4 (MANE Select); coding-DNA position 1850, C replaced by T.
Protein change: p.Thr617Ile; replaces threonine 617 with isoleucine.
Molecular consequence: missense variant.
Genome position (GRCh38, 1-based): chr7:93,104,248, G>A on the plus strand (C>T on the coding strand, the complement: SAMD9 is on the minus strand). VCF-style: chr7-93104248-G-A. GRCh37 (hg19) VCF-style: chr7-92733561-G-A.
Other names: c.1850C>T, p.Thr617Ile (NM_001193307.2); short protein forms T617I.
Identifiers: ClinVar variation 4768443 (VCV004768443.1).